The following is an entry in ClinVar:

NM_004655.4(AXIN2):c.2013C>T (p.Arg671=)

Gene: AXIN2 (axin 2; minus strand). Cytogenetic location: 17q24.1.
Variant type: single nucleotide variant.
Coding change: c.2013C>T on transcript NM_004655.4 (MANE Select); coding-DNA position 2013, C replaced by T.
Protein change: p.Arg671=; no amino-acid change (arginine 671 retained).
Molecular consequence: synonymous variant.
Genome position (GRCh38, 1-based): chr17:65,536,448, G>A on the plus strand (C>T on the coding strand, the complement: AXIN2 is on the minus strand). VCF-style: chr17-65536448-G-A. GRCh37 (hg19) VCF-style: chr17-63532566-G-A.
Other names: c.1818C>T, p.Arg606= (NM_001363813.1).
Identifiers: ClinVar variation 2818876 (VCV002818876.5), dbSNP rs1479024977, ClinGen allele CA501690957.

ClinVar aggregate classification (germline): Benign/Likely benign. Review status: criteria provided, multiple submitters, no conflicts (2 of 4 stars). 3 submissions from 3 submitters: Benign (1); Likely benign (2). Last evaluated 2024-07-09.

Conditions:
Hereditary cancer-predisposing syndrome. Also called: Neoplastic Syndromes, Hereditary; Tumor predisposition; Hereditary Cancer Syndrome; Hereditary neoplastic syndrome. Identifiers: Orphanet 140162, MedGen C0027672, MeSH D009386, MONDO:0015356.
Oligodontia-cancer predisposition syndrome. Also called: TOOTH AGENESIS-COLORECTAL CANCER SYNDROME. Identifiers: Orphanet 300576, MedGen C1837750, MONDO:0012075, OMIM 608615. Disease mechanism: loss of function.

Allele frequency attached by ClinVar (database versions not stated): TOPMed 0.00001; gnomAD 0.00002.

Submissions (3):

Myriad Genetics, Inc.
Classification: Benign for Oligodontia-cancer predisposition syndrome. Last evaluated: 2024-07-09. Review status: criteria provided, single submitter. Criteria: Myriad Autosomal Dominant, Autosomal Recessive and X-Linked Classification Criteria (2023). Collection method: clinical testing. Allele origin: unknown.
Comment: This variant is considered benign. This variant is a silent/synonymous amino acid change and it is not expected to impact splicing.

Ambry Genetics
Classification: Likely benign for Hereditary cancer-predisposing syndrome. Last evaluated: 2024-05-02. Review status: criteria provided, single submitter. Criteria: Ambry Variant Classification Scheme 2023. Collection method: clinical testing. Allele origin: germline.

Labcorp Genetics (formerly Invitae), Labcorp
Classification: Likely benign for Oligodontia-cancer predisposition syndrome. Last evaluated: 2022-12-06. Review status: criteria provided, single submitter. Criteria: Invitae Variant Classification Sherloc (09022015). Collection method: clinical testing. Allele origin: germline.